The following is an entry in ClinVar:

ClinVar aggregate classification (germline): Uncertain significance (1 of 4 stars; one submission).

Allele frequency attached by ClinVar (database versions not stated): gnomAD exomes below 0.00001.
gnomAD v4.1: 1 of 1,613,742 alleles (0.000062%); highest among the groups gnomAD compares: South Asian, 0.0011%; no homozygotes.

Submission:

GeneDx
Classification: Uncertain significance. Last evaluated: 2021-05-24. Review status: criteria provided, single submitter. Criteria: GeneDx Variant Classification Process June 2021. Collection method: clinical testing. Allele origin: germline. Affected: yes.
Comment: Not observed at significant frequency in large population cohorts (Lek et al., 2016); In silico analysis supports that this missense variant does not alter protein structure/function; Has not been previously published as pathogenic or benign to our knowledge

NM_003036.4(SKI):c.1028C>A (p.Ser343Tyr)

Gene: SKI (SKI proto-oncogene; plus strand). Cytogenetic location: 1p36.32.
Variant type: single nucleotide variant.
Coding change: c.1028C>A on transcript NM_003036.4 (MANE Select); coding-DNA position 1028, C replaced by A.
Protein change: p.Ser343Tyr; replaces serine 343 with tyrosine.
Molecular consequence: missense variant.
Genome position (GRCh38, 1-based): chr1:2,303,036, C>A. VCF-style: chr1-2303036-C-A. GRCh37 (hg19) VCF-style: chr1-2234475-C-A.
Other names: short protein forms S343Y.
Identifiers: ClinVar variation 1326494 (VCV001326494.2), dbSNP rs988023964, ClinGen allele CA337954045.